The following is an entry in ClinVar:

NM_020971.3(SPTBN4):c.3215C>G (p.Ala1072Gly)

Gene: SPTBN4 (spectrin beta, non-erythrocytic 4; plus strand). Cytogenetic location: 19q13.2.
Variant type: single nucleotide variant.
Coding change: c.3215C>G on transcript NM_020971.3 (MANE Select); coding-DNA position 3215, C replaced by G.
Protein change: p.Ala1072Gly; replaces alanine 1072 with glycine.
Molecular consequence: missense variant.
Genome position (GRCh38, 1-based): chr19:40,519,712, C>G. VCF-style: chr19-40519712-C-G. GRCh37 (hg19) VCF-style: chr19-41025619-C-G.
Other names: short protein forms A1072G.
Identifiers: ClinVar variation 2344175 (VCV002344175.20), dbSNP rs529933555, ClinGen allele CA9445989.

ClinVar aggregate classification (germline): Conflicting classifications of pathogenicity. Review status: criteria provided, conflicting classifications (1 of 4 stars). 4 submissions from 4 submitters: Uncertain significance (1); Likely benign (2). 1 of the submissions does not count toward it. Last evaluated 2024-07-01.

Conditions:
SPTBN4-related disorder. Also called: SPTBN4-related condition.
Inborn genetic diseases. Identifiers: MedGen C0950123, MeSH D030342.

Allele frequency attached by ClinVar (database versions not stated): 1000 Genomes Project 0.00180; 1000 Genomes Project 30x 0.00203; gnomAD 0.00219; TOPMed 0.00263.
gnomAD v4.1: 594 of 1,389,846 alleles (0.043%); highest among the groups gnomAD compares: African/African-American, 0.8%; 3 homozygotes.

Submissions (4):

CeGaT Center for Human Genetics Tuebingen
Classification: Likely benign. Last evaluated: 2024-07-01. Review status: criteria provided, single submitter. Criteria: CeGaT Center For Human Genetics Tuebingen Variant Classification Criteria Version 2. Collection method: clinical testing. Allele origin: germline. Affected: yes. Observed: 1 variant allele.
Comment: SPTBN4: PP2, BS2

Blueprint Genetics
Classification: Uncertain significance. Last evaluated: 2024-04-23. Review status: criteria provided, single submitter. Criteria: ACMG Guidelines, 2015. Collection method: clinical testing. Allele origin: germline.

Ambry Genetics
Classification: Likely benign for Inborn genetic diseases. Last evaluated: 2022-04-22. Review status: criteria provided, single submitter. Criteria: Ambry Variant Classification Scheme 2023. Collection method: clinical testing. Allele origin: germline.

PreventionGenetics, part of Exact Sciences
Classification: Benign for SPTBN4-related condition. Last evaluated: 2019-11-14. Review status: no assertion criteria provided. Collection method: clinical testing. Allele origin: germline. Not counted in ClinVar's aggregate classification.
Comment: This variant is classified as benign based on ACMG/AMP sequence variant interpretation guidelines (Richards et al. 2015 PMID: 25741868, with internal and published modifications).